The following is an entry in ClinVar:

NM_001372044.2(SHANK3):c.3664C>T (p.Gln1222Ter)

Gene: SHANK3 (SH3 and multiple ankyrin repeat domains 3; plus strand). Cytogenetic location: 22q13.33.
Variant type: single nucleotide variant.
Coding change: c.3664C>T on transcript NM_001372044.2; coding-DNA position 3664, C replaced by T.
Protein change: p.Gln1222Ter; replaces glutamine 1222 with a stop codon.
Molecular consequence: nonsense.
Genome position (GRCh38, 1-based): chr22:50,721,272, C>T. VCF-style: chr22-50721272-C-T. GRCh37 (hg19) VCF-style: chr22-51159700-C-T.
Other names: short protein forms Q1222*.
Identifiers: ClinVar variation 930017 (VCV000930017.4), dbSNP rs751604326, ClinGen allele CA515261621.

ClinVar aggregate classification (germline): Uncertain significance (1 of 4 stars; one submission).

Submission:

Laboratory for Molecular Medicine, Mass General Brigham Personalized Medicine
Classification: Uncertain significance. Last evaluated: 2019-12-30. Review status: criteria provided, single submitter. Criteria: LMM Criteria. Collection method: clinical testing. Allele origin: germline. Observed: 1 variant allele.
Comment: The p.Gln1163X variant in SHANK3 has not been previously reported in individuals with Phelan-McDermid syndrome and was absent from large population studies. This nonsense variant leads to a premature termination codon at position 1163, which is predicted to lead to a truncated or absent protein. Loss of function of the SHANK3 gene is an established disease mechanism in autosomal dominant Phelan-McDermid syndrome. In summary, due to conflicting evidence, the clinical significance of this variant is uncertain. ACMG/AMP Criteria applied: PVS1, PM2, BS4.